The following is an entry in ClinVar:

NM_000059.4(BRCA2):c.6645_6648del (p.Thr2214_Tyr2215insTer)

Gene: BRCA2 (BRCA2 DNA repair associated; plus strand). Cytogenetic location: 13q13.1.
Variant type: Deletion.
Coding change: c.6645_6648del on transcript NM_000059.4 (MANE Select); coding-DNA positions 6645 to 6648, 4 bases deleted (CTCC; older notation c.6645_6648delCTCC).
Protein change: p.Thr2214_Tyr2215insTer.
Molecular consequence: nonsense.
Genome position (GRCh38, 1-based): chr13:32,341,000-32,341,003, CTCC deleted. VCF-style (leftmost placement, unchanged base first): chr13-32340999-ACTCC-A. GRCh37 (hg19) VCF-style: chr13-32915136-ACTCC-A.
Other names: 6873del4-ter2215.
Identifiers: ClinVar variation 266969 (VCV000266969.7), dbSNP rs886040672, ClinGen allele CA10589397.

ClinVar aggregate classification (germline): Pathogenic. Review status: reviewed by expert panel (3 of 4 stars). 2 submissions from 2 submitters: Pathogenic (1). 1 of the submissions does not count toward it. Last evaluated 2016-10-18.

Conditions:
Breast-ovarian cancer, familial, susceptibility to, 2 (BROVCA2). Also called: BRCA2 Hereditary Breast and Ovarian Cancer. Identifiers: Orphanet 145, MedGen C2675520, MONDO:0012933, OMIM 612555. Disease mechanism: loss of function.

Submissions (2):

Evidence-based Network for the Interpretation of Germline Mutant Alleles (ENIGMA)
Classification: Pathogenic for Breast-ovarian cancer, familial, susceptibility to, 2. Last evaluated: 2016-10-18. Review status: reviewed by expert panel. Criteria: ENIGMA BRCA1/2 Classification Criteria (2015). Collection method: curation. Allele origin: germline.
Comment: Variant allele predicted to encode a truncated non-functional protein.

Consortium of Investigators of Modifiers of BRCA1/2 (CIMBA), c/o University of Cambridge
Classification: Pathogenic for Breast-ovarian cancer, familial, susceptibility to, 2. Last evaluated: 2015-10-02. Review status: criteria provided, single submitter. Criteria: CIMBA Mutation Classification guidelines May 2016. Collection method: clinical testing. Allele origin: germline. Not counted in ClinVar's aggregate classification.